The following is an entry in ClinVar:

ClinVar aggregate classification (germline): Uncertain significance (1 of 4 stars; one submission).

Conditions:
Hereditary cancer-predisposing syndrome. Also called: Neoplastic Syndromes, Hereditary; Hereditary Cancer Syndrome; Hereditary neoplastic syndrome; Tumor predisposition. Identifiers: Orphanet 140162, MedGen C0027672, MeSH D009386, MONDO:0015356.

Submission:

Ambry Genetics
Classification: Uncertain significance for Hereditary cancer-predisposing syndrome. Last evaluated: 2023-04-18. Review status: criteria provided, single submitter. Criteria: Ambry Variant Classification Scheme 2023. Collection method: clinical testing. Allele origin: germline.
Comment: The p.A263T variant (also known as c.787G>A), located in coding exon 4 of the MSH3 gene, results from a G to A substitution at nucleotide position 787. The alanine at codon 263 is replaced by threonine, an amino acid with similar properties. This amino acid position is conserved. In addition, this alteration is predicted to be deleterious by in silico analysis. Since supporting evidence is limited at this time, the clinical significance of this alteration remains unclear.

NM_002439.5(MSH3):c.787G>A (p.Ala263Thr)

Gene: MSH3 (mutS homolog 3; plus strand). Cytogenetic location: 5q14.1.
Variant type: single nucleotide variant.
Coding change: c.787G>A on transcript NM_002439.5 (MANE Select); coding-DNA position 787, G replaced by A.
Protein change: p.Ala263Thr; replaces alanine 263 with threonine.
Molecular consequence: missense variant.
Genome position (GRCh38, 1-based): chr5:80,670,304, G>A. VCF-style: chr5-80670304-G-A. GRCh37 (hg19) VCF-style: chr5-79966123-G-A.
Other names: short protein forms A263T.
Identifiers: ClinVar variation 2565655 (VCV002565655.2), dbSNP rs2546721290, ClinGen allele CA360267025.